The following is an entry in ClinVar:

ClinVar aggregate classification (germline): Uncertain significance (1 of 4 stars; one submission).

Conditions:
Charcot-Marie-Tooth Neuropathy X. Identifiers: MedGen CN118851.
Combined oxidative phosphorylation deficiency. Identifiers: MedGen C4540031, MONDO:0000732.

Submission:

Labcorp Genetics (formerly Invitae), Labcorp
Classification: Uncertain significance for Charcot-Marie-Tooth Neuropathy X; Combined oxidative phosphorylation deficiency. Last evaluated: 2023-08-11. Review status: criteria provided, single submitter. Criteria: Invitae Variant Classification Sherloc (09022015). Collection method: clinical testing. Allele origin: germline.
Comment: In summary, the available evidence is currently insufficient to determine the role of this variant in disease. Therefore, it has been classified as a Variant of Uncertain Significance. Variants that disrupt the consensus splice site are a relatively common cause of aberrant splicing (PMID: 17576681, 9536098). Algorithms developed to predict the effect of sequence changes on RNA splicing suggest that this variant is not likely to affect RNA splicing. This variant has not been reported in the literature in individuals affected with AIFM1-related conditions. This variant is not present in population databases (gnomAD no frequency). This sequence change falls in intron 14 of the AIFM1 gene. It does not directly change the encoded amino acid sequence of the AIFM1 protein. It affects a nucleotide within the consensus splice site.

Literature cited by the submitters: PubMed 17576681; PubMed 9536098.

NM_004208.4(AIFM1):c.1573+3A>G

Genes: AIFM1 (apoptosis inducing factor mitochondria associated 1; minus strand), RAB33A (RAB33A, member RAS oncogene family; plus strand). Cytogenetic location: Xq26.1.
Variant type: single nucleotide variant.
Coding change: c.1573+3A>G on transcript NM_004208.4 (MANE Select); 3 bases into the intron after coding-DNA position 1573, A replaced by G.
Molecular consequence: intron variant.
Genome position (GRCh38, 1-based): chrX:130,131,672, T>C on the plus strand (A>G on the coding strand, the complement: AIFM1 is on the minus strand). VCF-style: chrX-130131672-T-C. GRCh37 (hg19) VCF-style: chrX-129265647-T-C.
Other names: c.1561+3A>G (NM_145812.3); c.*801+3A>G (NM_001130847.4); c.556+3A>G (NM_001130846.4).
Identifiers: ClinVar variation 2936886 (VCV002936886.3), dbSNP rs1173651250, ClinGen allele CA871451039.